The following is an entry in ClinVar:

NM_001942.4(DSG1):c.752C>T (p.Ala251Val)

Gene: DSG1 (desmoglein 1; plus strand). Cytogenetic location: 18q12.1.
Variant type: single nucleotide variant.
Coding change: c.752C>T on transcript NM_001942.4 (MANE Select); coding-DNA position 752, C replaced by T.
Protein change: p.Ala251Val; replaces alanine 251 with valine.
Molecular consequence: missense variant.
Genome position (GRCh38, 1-based): chr18:31,333,656, C>T. VCF-style: chr18-31333656-C-T. GRCh37 (hg19) VCF-style: chr18-28913619-C-T.
Other names: short protein forms A251V.
Identifiers: ClinVar variation 2985575 (VCV002985575.3), dbSNP rs748648648, ClinGen allele CA8925932.

ClinVar aggregate classification (germline): Uncertain significance (1 of 4 stars; one submission).

Allele frequency attached by ClinVar (database versions not stated): ExAC 0.00001; gnomAD 0.00001; TOPMed 0.00002.
gnomAD v4.1: 7 of 1,613,616 alleles (0.00043%); highest among the groups gnomAD compares: East Asian, 0.0022%; no homozygotes.

Submission:

Labcorp Genetics (formerly Invitae), Labcorp
Classification: Uncertain significance. Last evaluated: 2024-03-28. Review status: criteria provided, single submitter. Criteria: Invitae Variant Classification Sherloc (09022015). Collection method: clinical testing. Allele origin: germline.
Comment: This sequence change replaces alanine, which is neutral and non-polar, with valine, which is neutral and non-polar, at codon 251 of the DSG1 protein (p.Ala251Val). This variant is present in population databases (rs748648648, gnomAD 0.007%). This variant has not been reported in the literature in individuals affected with DSG1-related conditions. Advanced modeling of protein sequence and biophysical properties (such as structural, functional, and spatial information, amino acid conservation, physicochemical variation, residue mobility, and thermodynamic stability) performed at Invitae indicates that this missense variant is not expected to disrupt DSG1 protein function with a negative predictive value of 80%. In summary, the available evidence is currently insufficient to determine the role of this variant in disease. Therefore, it has been classified as a Variant of Uncertain Significance.